The following is an entry in ClinVar:

NM_000059.4(BRCA2):c.2409T>A (p.Tyr803Ter)

Gene: BRCA2 (BRCA2 DNA repair associated; plus strand). Cytogenetic location: 13q13.1.
Variant type: single nucleotide variant.
Coding change: c.2409T>A on transcript NM_000059.4 (MANE Select); coding-DNA position 2409, T replaced by A.
Protein change: p.Tyr803Ter; replaces tyrosine 803 with a stop codon.
Molecular consequence: nonsense.
Genome position (GRCh38, 1-based): chr13:32,336,764, T>A. VCF-style: chr13-32336764-T-A. GRCh37 (hg19) VCF-style: chr13-32910901-T-A.
Other names: short protein forms Y803*.
Identifiers: ClinVar variation 1069813 (VCV001069813.9), dbSNP rs80358504, ClinGen allele CA387772024.

ClinVar aggregate classification (germline): Pathogenic (1 of 4 stars; one submission).

Conditions:
Hereditary breast ovarian cancer syndrome. Also called: Breast and ovarian cancer; BRCA1- and BRCA2-Associated Hereditary Breast and Ovarian Cancer; Hereditary breast and ovarian cancer syndrome; Hereditary breast and/or ovarian cancer syndrome; Hereditary breast and ovarian cancer; Hereditary breast and ovarian cancer syndrome (HBOC). Identifiers: Orphanet 145, MedGen C0677776, MeSH D061325, MONDO:0003582. Disease mechanism: loss of function.

Submission:

Labcorp Genetics (formerly Invitae), Labcorp
Classification: Pathogenic for Hereditary breast ovarian cancer syndrome. Last evaluated: 2022-07-12. Review status: criteria provided, single submitter. Criteria: Invitae Variant Classification Sherloc (09022015). Collection method: clinical testing. Allele origin: germline.
Comment: ClinVar contains an entry for this variant (Variation ID: 1069813). This sequence change creates a premature translational stop signal (p.Tyr803*) in the BRCA2 gene. It is expected to result in an absent or disrupted protein product. Loss-of-function variants in BRCA2 are known to be pathogenic (PMID: 20104584). This variant is not present in population databases (gnomAD no frequency). This variant has not been reported in the literature in individuals affected with BRCA2-related conditions. For these reasons, this variant has been classified as Pathogenic.

Literature cited by the submitters: PubMed 20104584.